The following is an entry in ClinVar:

ClinVar aggregate classification (germline): Uncertain significance. Review status: criteria provided, multiple submitters, no conflicts (2 of 4 stars). 2 submissions from 2 submitters: Uncertain significance (2). Last evaluated 2024-07-25.

Allele frequency attached by ClinVar (database versions not stated): TOPMed 0.00001; gnomAD exomes 0.00003.
gnomAD v4.1: 45 of 1,613,766 alleles (0.0028%); highest among the groups gnomAD compares: Non-Finnish European, 0.0037%; no homozygotes.

Submissions (2):

GeneDx
Classification: Uncertain significance. Last evaluated: 2024-07-25. Review status: criteria provided, single submitter. Criteria: GeneDx Variant Classification Process June 2021. Collection method: clinical testing. Allele origin: germline. Affected: yes.
Comment: Not observed at significant frequency in large population cohorts (gnomAD); In silico analysis supports that this missense variant has a deleterious effect on protein structure/function; Has not been previously published as pathogenic or benign to our knowledge

Revvity Omics, Revvity
Classification: Uncertain significance. Last evaluated: 2023-03-31. Review status: criteria provided, single submitter. Criteria: ACMG Guidelines, 2015. Collection method: clinical testing. Allele origin: germline.

NM_001164508.2(NEB):c.9847G>A (p.Gly3283Ser)

Gene: NEB (nebulin; minus strand). Cytogenetic location: 2q23.3.
Variant type: single nucleotide variant.
Coding change: c.9847G>A on transcript NM_001164508.2 (MANE Select); coding-DNA position 9847, G replaced by A.
Protein change: p.Gly3283Ser; replaces glycine 3283 with serine.
Molecular consequence: missense variant.
Genome position (GRCh38, 1-based): chr2:151,627,819, C>T on the plus strand (G>A on the coding strand, the complement: NEB is on the minus strand). VCF-style: chr2-151627819-C-T. GRCh37 (hg19) VCF-style: chr2-152484333-C-T.
Other names: c.9847G>A, p.Gly3283Ser (NM_001164507.2, NM_001271208.2); c.9118G>A, p.Gly3040Ser (NM_004543.5); short protein forms G3040S, G3283S.
Identifiers: ClinVar variation 2689558 (VCV002689558.3), dbSNP rs769578834, ClinGen allele CA57652230.